The following is an entry in ClinVar:

ClinVar aggregate classification (germline): Likely pathogenic (1 of 4 stars; one submission).

Conditions:
Nephronophthisis 16 (NPHP16). Identifiers: Orphanet 655, MedGen C3809320, MONDO:0014158, OMIM 615382.

Submission:

Juno Genomics, Hangzhou Juno Genomics, Inc
Classification: Likely pathogenic for Nephronophthisis 16. Review status: criteria provided, single submitter. Criteria: ACMG Guidelines, 2015. Collection method: clinical testing. Allele origin: germline.
Comment: Null variant in a gene where loss of function (LOF) is a known mechanism of disease.;Absent from controls (or at extremely low frequency if recessive) in Genome Aggregation Database.

NM_173551.5(ANKS6):c.23del (p.Pro8fs)

Gene: ANKS6 (ankyrin repeat and sterile alpha motif domain containing 6; minus strand). Cytogenetic location: 9q22.33.
Variant type: Deletion.
Coding change: c.23del on transcript NM_173551.5 (MANE Select); coding-DNA position 23, one base deleted (C; older notation c.23delC).
Protein change: p.Pro8fs; shifts the reading frame from proline 8.
Molecular consequence: frameshift variant.
Genome position (GRCh38, 1-based): chr9:98,796,469, G deleted on the plus strand (C on the coding strand, the reverse complement: ANKS6 is on the minus strand); the first of 5 consecutive G bases (chr9:98,796,469-98,796,473); deleting any one gives the same sequence. VCF-style (leftmost placement, unchanged base first): chr9-98796468-CG-C. GRCh37 (hg19) VCF-style: chr9-101558750-CG-C.
Other names: short protein forms P8fs.
Identifiers: ClinVar variation 5007483 (VCV005007483.2).